The following is an entry in ClinVar:

ClinVar aggregate classification (germline): Benign. Review status: criteria provided, multiple submitters, no conflicts (2 of 4 stars). 2 submissions from 2 submitters: Benign (2). Last evaluated 2018-06-19.

Allele frequency attached by ClinVar (database versions not stated): gnomAD 0.29666; TOPMed 0.35281; 1000 Genomes Project 0.51576; 1000 Genomes Project 30x 0.51613.
gnomAD v4.1: 174,145 of 738,018 alleles (24%); highest among the groups gnomAD compares: East Asian, 67%; 21,215 homozygotes.

Submissions (2):

GeneDx
Classification: Benign. Last evaluated: 2018-06-19. Review status: criteria provided, single submitter. Criteria: GeneDx Variant Classification (06012015). Collection method: clinical testing. Allele origin: germline. Affected: yes.
Comment: This variant is considered likely benign or benign based on one or more of the following criteria: it is a conservative change, it occurs at a poorly conserved position in the protein, it is predicted to be benign by multiple in silico algorithms, and/or has population frequency not consistent with disease.

Breakthrough Genomics
Classification: Benign. Review status: criteria provided, single submitter. Criteria: ACMG Guidelines, 2015. Collection method: not provided. Allele origin: germline. Inheritance: X-linked inheritance. Affected: yes.

NM_003491.4(NAA10):c.22-92C>G

Gene: NAA10 (N-alpha-acetyltransferase 10, NatA catalytic subunit; minus strand). Cytogenetic location: Xq28.
Variant type: single nucleotide variant.
Coding change: c.22-92C>G on transcript NM_003491.4 (MANE Select); 92 bases into the intron before coding-DNA position 22, C replaced by G.
Molecular consequence: intron variant.
Genome position (GRCh38, 1-based): chrX:153,934,567, G>C on the plus strand (C>G on the coding strand, the complement: NAA10 is on the minus strand). VCF-style: chrX-153934567-G-C. GRCh37 (hg19) VCF-style: chrX-153200020-G-C.
Other names: c.22-92C>G (NM_001256120.2, NM_001256119.2).
Identifiers: ClinVar variation 677204 (VCV000677204.2), dbSNP rs3747308, ClinGen allele CA337278327.